The following is an entry in ClinVar:

NM_019112.4(ABCA7):c.6253G>A (p.Asp2085Asn)

Gene: ABCA7 (ATP binding cassette subfamily A member 7; plus strand). Cytogenetic location: 19p13.3.
Variant type: single nucleotide variant.
Coding change: c.6253G>A on transcript NM_019112.4 (MANE Select); coding-DNA position 6253, G replaced by A.
Protein change: p.Asp2085Asn; replaces aspartic acid 2085 with asparagine.
Molecular consequence: missense variant.
Genome position (GRCh38, 1-based): chr19:1,065,139, G>A. VCF-style: chr19-1065139-G-A. GRCh37 (hg19) VCF-style: chr19-1065138-G-A.
Other names: short protein forms D2085N.
Identifiers: ClinVar variation 930747 (VCV000930747.4), dbSNP rs2042963216, ClinGen allele CA402991232.
Genomic context (GRCh38, chr19:1,065,139, plus strand): 5'-TGCGCCCTGGCGCGCGTCTTTGGAGAGCTGGCGGTGCACGGCGCAGAGCACGGCGTGGAG[G>A]ACTTTTCCGTGAGCCAGACGATGCTGGAGGAGGTGATCACGGCGCCGGGGTCGGGCTGGG-3'
Protein context (NP_061985.2, residues 2075-2095): AVHGAEHGVE[Asp2085Asn]FSVSQTMLEE

ClinVar aggregate classification (germline): Uncertain significance. Review status: criteria provided, multiple submitters, no conflicts (2 of 4 stars). 2 submissions from 2 submitters: Uncertain significance (2). Last evaluated 2025-01-22.

Conditions:
Alzheimer disease 9. Also called: ALZHEIMER DISEASE 9, SUSCEPTIBILITY TO; ALZHEIMER DISEASE 9, LATE-ONSET. Identifiers: MedGen C4282179, MONDO:0012153, OMIM 608907.

Allele frequency attached by ClinVar (database versions not stated): gnomAD exomes below 0.00001; TOPMed below 0.00001.
gnomAD v4.1: 2 of 1,591,586 alleles (0.00013%); highest among the groups gnomAD compares: Non-Finnish European, 0.00017%; no homozygotes.

Submissions (2):

Ambry Genetics
Classification: Uncertain significance. Last evaluated: 2025-01-22. Review status: criteria provided, single submitter. Criteria: Ambry Variant Classification Scheme 2023. Collection method: clinical testing. Allele origin: germline.

Centre for Mendelian Genomics, University Medical Centre Ljubljana
Classification: Uncertain significance for Alzheimer disease 9. Last evaluated: 2019-10-03. Review status: criteria provided, single submitter. Criteria: ACMG Guidelines, 2015. Collection method: clinical testing. Allele origin: unknown. Affected: yes.
Comment: This variant was classified as: Uncertain significance. The available evidence on this variant's pathogenicity is insufficient or conflicting. The following ACMG criteria were applied in classifying this variant: PM2,PP3,BP1.